The following is an entry in ClinVar:

ClinVar aggregate classification (germline): Likely pathogenic (1 of 4 stars; one submission).

Conditions:
Zimmermann-Laband syndrome 2 (ZLS2). Identifiers: Orphanet 3473, MedGen C4225321, MONDO:0014646, OMIM 616455.

Allele frequency attached by ClinVar (database versions not stated): gnomAD exomes below 0.00001.
gnomAD v4.1: 3 of 1,446,056 alleles (0.00021%); highest among the groups gnomAD compares: Non-Finnish European, 0.00027%; no homozygotes.

Submission:

Laboratory of Medical Genetics, National & Kapodistrian University of Athens
Classification: Likely pathogenic for Zimmermann-Laband syndrome 2. Last evaluated: 2023-02-17. Review status: criteria provided, single submitter. Criteria: ACMG Guidelines, 2015. Collection method: clinical testing. Allele origin: germline. Affected: yes.
Comment: PVS1, PM2

NM_001693.4(ATP6V1B2):c.124C>T (p.Gln42Ter)

Gene: ATP6V1B2 (ATPase H+ transporting V1 subunit B2; plus strand). Cytogenetic location: 8p21.3.
Variant type: single nucleotide variant.
Coding change: c.124C>T on transcript NM_001693.4 (MANE Select); coding-DNA position 124, C replaced by T.
Protein change: p.Gln42Ter; replaces glutamine 42 with a stop codon.
Molecular consequence: nonsense.
Genome position (GRCh38, 1-based): chr8:20,197,530, C>T. VCF-style: chr8-20197530-C-T. GRCh37 (hg19) VCF-style: chr8-20055041-C-T.
Other names: short protein forms Q42*.
Identifiers: ClinVar variation 2572643 (VCV002572643.1), dbSNP rs2486443112, ClinGen allele CA370470827.